The following is an entry in ClinVar:

ClinVar aggregate classification (germline): Conflicting classifications of pathogenicity. Review status: criteria provided, conflicting classifications (1 of 4 stars). 11 submissions from 11 submitters: Uncertain significance (3); Likely benign (5). 3 of the submissions do not count toward it. Last evaluated 2026-04-27.

Conditions:
Hereditary cancer-predisposing syndrome. Also called: Tumor predisposition; Neoplastic Syndromes, Hereditary; Hereditary Cancer Syndrome; Hereditary neoplastic syndrome. Identifiers: Orphanet 140162, MedGen C0027672, MeSH D009386, MONDO:0015356.
Inherited breast cancer and ovarian cancer.
Hereditary breast ovarian cancer syndrome. Also called: Hereditary breast and ovarian cancer syndrome (HBOC); Hereditary breast and ovarian cancer syndrome; Hereditary breast and ovarian cancer; Hereditary breast and/or ovarian cancer syndrome; Breast and ovarian cancer; BRCA1- and BRCA2-Associated Hereditary Breast and Ovarian Cancer. Identifiers: Orphanet 145, MedGen C0677776, MeSH D061325, MONDO:0003582. Disease mechanism: loss of function.
Breast-ovarian cancer, familial, susceptibility to, 1 (BROVCA1). Also called: OVARIAN CANCER, SUSCEPTIBILITY TO; BRCA1 Hereditary Breast and Ovarian Cancer. Identifiers: Orphanet 145, MedGen C2676676, MONDO:0011450, OMIM 604370. Disease mechanism: loss of function.

Allele frequency attached by ClinVar (database versions not stated): ExAC 0.00001; gnomAD exomes 0.00002; gnomAD 0.00003 and 0.00004; TOPMed 0.00004; ESP Exome Variant Server 0.00008.
gnomAD v4.1: 111 of 1,613,026 alleles (0.0069%); highest among the groups gnomAD compares: Non-Finnish European, 0.0091%; 1 homozygote.

Submissions (11):

Genomics and Molecular Medicine Service, East Genomic Laboratory Hub, NHS Genomic Medicine Service
Classification: Likely benign for Inherited breast cancer and ovarian cancer. Last evaluated: 2026-04-27. Review status: criteria provided, single submitter. Criteria: ACGS Best Practice Guidelines for Variant Classification in Rare Disease 2020. Collection method: clinical testing. Allele origin: germline. Affected: yes.
Comment: BS2,BP1_Strong

Women's Health and Genetics/Laboratory Corporation of America, LabCorp
Classification: Likely benign. Last evaluated: 2026-03-23. Review status: criteria provided, single submitter. Criteria: LabCorp Variant Classification Summary - May 2015. Collection method: clinical testing. Allele origin: germline.
Comment: Variant summary: BRCA1 c.661G>T (p.Ala221Ser) results in a conservative amino acid change in the encoded protein sequence. Algorithms developed to predict the effect of missense changes on protein structure and function are either unavailable or do not agree on the potential impact of this missense change. The variant allele was found at a frequency of 1.6e-05 in 250732 control chromosomes. The available data on variant occurrences in the general population are insufficient to allow any conclusion about variant significance. c.661G>T has been observed in individuals affected with breast/ovarian cancer, but was also found in controls (e.g. Abkevich_2004, Judkins_2005, Wong-Brown_2015, Dorling_2021). These report(s) do not provide unequivocal conclusions about association of the variant with Hereditary Breast And Ovarian Cancer Syndrome. Co-occurrences with other pathogenic variant(s) have been reported (BRCA1 c.5284delA, (p.Arg1762Glyfs*3), providing supporting evidence for a benign role. To our knowledge, no experimental evidence demonstrating an impact on protein function has been reported. The following publications have been ascertained in the context of this evaluation (PMID: 16267036, 15385441, 15235020, 25682074, 21309043, 33471991). ClinVar contains an entry for this variant (Variation ID: 37690). Based on the evidence outlined above, the variant was classified as likely benign.

Labcorp Genetics (formerly Invitae), Labcorp
Classification: Likely benign for Hereditary breast ovarian cancer syndrome. Last evaluated: 2026-01-28. Review status: criteria provided, single submitter. Criteria: Invitae Variant Classification Sherloc (09022015). Collection method: clinical testing. Allele origin: germline.

Quest Diagnostics Nichols Institute San Juan Capistrano
Classification: Uncertain significance. Last evaluated: 2025-06-14. Review status: criteria provided, single submitter. Criteria: Quest Diagnostics criteria. Collection method: clinical testing. Allele origin: unknown.
Comment: The BRCA1 c.661G>T (p.Ala221Ser) variant has been reported in the published literature in individuals and/or families affected with breast and/or ovarian cancer (PMID: 16267036 (2005), 25682074 (2015), 33471991 (2021), see also LOVD). This variant has also been observed in reportedly unaffected individuals (PMID: 33471991 (2021), see also LOVD). The frequency of this variant in the general population (Genome Aggregation Database) is uninformative in the assessment of its pathogenicity. Analysis of this variant using bioinformatics tools for the prediction of the effect of amino acid changes on protein structure and function yielded predictions that this variant is benign. Based on the available information, we are unable to determine the clinical significance of this variant.

Color Diagnostics, LLC DBA Color Health
Classification: Uncertain significance for Hereditary cancer-predisposing syndrome. Last evaluated: 2024-02-06. Review status: criteria provided, single submitter. Criteria: ACMG Guidelines, 2015. Collection method: clinical testing. Allele origin: germline.
Comment: This missense variant replaces alanine with serine at codon 221 of the BRCA1 protein. Computational prediction is inconclusive regarding the impact of this variant on protein structure and function. To our knowledge, functional studies have not been reported for this variant. This variant has been reported in an individual affected with breast cancer (PMID: 25682074) and detected in a breast cancer case-control meta-analysis in 5/60466 cases and 2/53461 unaffected individuals (PMID: 33471991; Leiden Open Variation Database DB-ID BRCA1_000102). This variant has been identified in 5/281660 chromosomes in the general population by the Genome Aggregation Database (gnomAD). The available evidence is insufficient to determine the role of this variant in disease conclusively. Therefore, this variant is classified as a Variant of Uncertain Significance.

All of Us Research Program, National Institutes of Health
Classification: Uncertain significance for Breast-ovarian cancer, familial, susceptibility to, 1. Last evaluated: 2023-10-02. Review status: criteria provided, single submitter. Criteria: ACMG Guidelines, 2015. Collection method: clinical testing. Allele origin: germline. Inheritance: Autosomal dominant inheritance. Observed: 8 variant alleles, 8 heterozygotes.
Comment: This missense variant replaces alanine with serine at codon 221 of the BRCA1 protein. Computational prediction is inconclusive regarding the impact of this variant on protein structure and function (internally defined REVEL score threshold 0.5 < inconclusive < 0.7, PMID: 27666373). To our knowledge, functional studies have not been reported for this variant. In a large breast cancer case-control study, this variant has been observed in 5/60461 cases and 2/53459 controls (OR=2.21, 95%CI 0.429 to 11.394, p-value=0.459; Leiden Open Variation Database DB-ID BRCA1_000102) (PMID 33471991). This variant has been identified in 5/281660 chromosomes in the general population by the Genome Aggregation Database (gnomAD). The available evidence is insufficient to determine the role of this variant in disease conclusively. Therefore, this variant is classified as a Variant of Uncertain Significance.

This study involves interpretation of variants in research participants for the purpose of population health screening. Participant phenotype was not available at the time of variant classification. Additional details can be found in publication PMID: 35346344, PMCID: PMC8962531

Ambry Genetics
Classification: Likely benign for Hereditary cancer-predisposing syndrome. Last evaluated: 2018-11-08. Review status: criteria provided, single submitter. Criteria: Ambry Variant Classification Scheme 2023. Collection method: clinical testing. Allele origin: germline.

GeneDx
Classification: Likely benign. Last evaluated: 2018-10-22. Review status: criteria provided, single submitter. Criteria: GeneDx Variant Classification Process June 2021. Collection method: clinical testing. Allele origin: germline. Affected: yes.
Comment: This variant is associated with the following publications: (PMID: 15235020, 21309043, 25682074, 16267036, 15385441, 10923033)

Counsyl
Classification: Uncertain significance for Breast-ovarian cancer, familial, susceptibility to, 1. Last evaluated: 2016-08-11. Review status: no assertion criteria provided. Collection method: clinical testing. Allele origin: unknown. Not counted in ClinVar's aggregate classification.

Sharing Clinical Reports Project (SCRP)
Classification: Likely benign for Breast-ovarian cancer, familial 1. Last evaluated: 2013-01-08. Review status: no assertion criteria provided. Collection method: clinical testing. Allele origin: germline. Not counted in ClinVar's aggregate classification.

Breast Cancer Information Core (BIC) (BRCA1)
Classification: Uncertain significance for Breast-ovarian cancer, familial 1. Last evaluated: 2002-05-29. Review status: no assertion criteria provided. Collection method: clinical testing. Allele origin: germline. Affected: yes. Observed: 2 variant alleles. Not counted in ClinVar's aggregate classification.

Literature cited by the submitters: PubMed 16267036 (cited by 3 submitters); PubMed 15385441 (cited by Women's Health and Genetics/Laboratory Corporation of America, LabCorp and Counsyl); PubMed 15235020 (cited by 3 submitters); PubMed 25682074 (cited by 3 submitters); PubMed 21309043 (cited by Women's Health and Genetics/Laboratory Corporation of America, LabCorp and Quest Diagnostics Nichols Institute San Juan Capistrano); PubMed 33471991 (cited by 3 submitters).

NM_007294.4(BRCA1):c.661G>T (p.Ala221Ser)

Gene: BRCA1 (BRCA1 DNA repair associated; minus strand). Cytogenetic location: 17q21.31.
Variant type: single nucleotide variant.
Coding change: c.661G>T on transcript NM_007294.4 (MANE Select); coding-DNA position 661, G replaced by T.
Protein change: p.Ala221Ser; replaces alanine 221 with serine.
Molecular consequence: missense variant. On other transcripts: non-coding transcript variant (1).
Genome position (GRCh38, 1-based): chr17:43,095,855, C>A on the plus strand (G>T on the coding strand, the complement: BRCA1 is on the minus strand). VCF-style: chr17-43095855-C-A. GRCh37 (hg19) VCF-style: chr17-41247872-C-A.
Other names: p.A221S:GCA>TCA; 780G>T; c.448G>T, p.Ala150Ser (NM_001407571.1, NM_001407853.1, NM_001407894.1 and 12 more transcripts); c.661G>T, p.Ala221Ser (NM_001407581.1, NM_001407582.1, NM_001407583.1 and 59 more transcripts); c.658G>T, p.Ala220Ser (NM_001407587.1, NM_001407590.1, NM_001407591.1 and 41 more transcripts); c.652G>T, p.Ala218Ser (NM_001407646.1, NM_001407647.1, NM_001408408.1); c.583G>T, p.Ala195Ser (NM_001407653.1, NM_001407654.1, NM_001407655.1 and 9 more transcripts); c.580G>T, p.Ala194Ser (NM_001407659.1, NM_001407660.1, NM_001407661.1 and 3 more transcripts); and 6 more; short protein forms A221S, A174S, A150S, A151S, A93S, A94S, A176S, A218S.
Identifiers: ClinVar variation 37690 (VCV000037690.30), dbSNP rs80357088, ClinGen allele CA003780.
Genomic context (GRCh38, chr17:43,095,855, plus strand): 5'-TCTACCCACTCTCTTTTCAGTGCCTGTTAAGTTGGCAAACTTTGCCATTACCCTTTTTTG[C>A]AGAATCCAAACTGATTTCATCCCTGGTTCCTTGAGGGGTGATTTGTAACAATTCTTGATC-3'
Protein context (NP_009225.1, residues 211-231): GTRDEISLDS[Ala221Ser]KKAACEFSET